The following is an entry in ClinVar:

NM_053025.4(MYLK):c.1745C>A (p.Thr582Asn)

Gene: MYLK (myosin light chain kinase; minus strand). Cytogenetic location: 3q21.1.
Variant type: single nucleotide variant.
Coding change: c.1745C>A on transcript NM_053025.4 (MANE Select); coding-DNA position 1745, C replaced by A.
Protein change: p.Thr582Asn; replaces threonine 582 with asparagine.
Molecular consequence: missense variant.
Genome position (GRCh38, 1-based): chr3:123,722,187, G>T on the plus strand (C>A on the coding strand, the complement: MYLK is on the minus strand). VCF-style: chr3-123722187-G-T. GRCh37 (hg19) VCF-style: chr3-123441034-G-T.
Other names: c.1217C>A, p.Thr406Asn (NM_001321309.2); c.1538C>A, p.Thr513Asn (NM_053026.4, NM_053028.4); c.1745C>A, p.Thr582Asn (NM_053027.4); short protein forms T582N, T406N, T513N.
Identifiers: ClinVar variation 409687 (VCV000409687.18), dbSNP rs749069560, ClinGen allele CA16611227.
Genomic context (GRCh38, chr3:123,722,187, plus strand): 5'-CCATGGACGGTGACCCAGGCGCTGCAGGACACCTGCCCCAAGGCATTCTCAGCTAGGCAG[G>T]TGTAGGTGCCATGGTCCTCCGGCAGGGCATCCTGGATGTGGAGCTCAGCCACGCCGGCCT-3'
Protein context (NP_444253.3, residues 572-592): DALPEDHGTY[Thr582Asn]CLAENALGQV

ClinVar aggregate classification (germline): Conflicting classifications of pathogenicity. Review status: criteria provided, conflicting classifications (1 of 4 stars). 3 submissions from 3 submitters: Uncertain significance (2); Likely benign (1). Last evaluated 2025-08-17.

Conditions:
Familial thoracic aortic aneurysm and aortic dissection (TAAD). Also called: Thoracic aortic aneurysms and dissections. Identifiers: Orphanet 91387, MedGen C4707243, MONDO:0019625.
Aortic aneurysm, familial thoracic 7 (AAT7). Also called: AORTIC DISSECTION, FAMILIAL, WITH OR WITHOUT AORTIC ANEURYSM. Identifiers: MedGen C3151077, MONDO:0013418, OMIM 613780.

Allele frequency attached by ClinVar (database versions not stated): gnomAD 0.00001; TOPMed 0.00002.
gnomAD v4.1: 24 of 1,562,798 alleles (0.0015%); highest among the groups gnomAD compares: Non-Finnish European, 0.00026%; no homozygotes.

Submissions (3):

Labcorp Genetics (formerly Invitae), Labcorp
Classification: Likely benign for Aortic aneurysm, familial thoracic 7. Last evaluated: 2025-08-17. Review status: criteria provided, single submitter. Criteria: Invitae Variant Classification Sherloc (09022015). Collection method: clinical testing. Allele origin: germline.

Ambry Genetics
Classification: Uncertain significance for Familial thoracic aortic aneurysm and aortic dissection. Last evaluated: 2025-06-12. Review status: criteria provided, single submitter. Criteria: Ambry Variant Classification Scheme 2023. Collection method: clinical testing. Allele origin: germline.
Comment: The p.T582N variant (also known as c.1745C>A), located in coding exon 10 of the MYLK gene, results from a C to A substitution at nucleotide position 1745. The threonine at codon 582 is replaced by asparagine, an amino acid with similar properties. This variant was reported in individual(s) with features consistent with aortic aneurysm/dilation (Ambry internal data). This amino acid position is well conserved in available vertebrate species. In addition, the in silico prediction for this alteration is inconclusive. Based on the available evidence, the clinical significance of this variant remains unclear.

Illumina Laboratory Services, Illumina
Classification: Uncertain significance for Aortic aneurysm, familial thoracic 7. Last evaluated: 2018-03-30. Review status: criteria provided, single submitter. Criteria: ICSL Variant Classification Criteria 13 December 2019. Collection method: clinical testing. Allele origin: germline.